The following is an entry in ClinVar:

NM_001330078.2(NRXN1):c.*1365A>G

Gene: NRXN1 (neurexin 1; minus strand). Cytogenetic location: 2p16.3.
Variant type: single nucleotide variant.
Coding change: c.*1365A>G on transcript NM_001330078.2 (MANE Select); 1365 bases downstream of the stop codon, A replaced by G.
Molecular consequence: 3 prime UTR variant.
Genome position (GRCh38, 1-based): chr2:49,920,579, T>C on the plus strand (A>G on the coding strand, the complement: NRXN1 is on the minus strand). VCF-style: chr2-49920579-T-C. GRCh37 (hg19) VCF-style: chr2-50147717-T-C.
Other names: c.*1365A>G (NM_001320156.4, NM_001320157.4, NM_001330077.2 and 17 more transcripts).
Identifiers: ClinVar variation 899035 (VCV000899035.4), dbSNP rs147121881, ClinGen allele CA47800793.

ClinVar aggregate classification (germline): Benign (1 of 4 stars; one submission).

Conditions:
Pitt-Hopkins-like syndrome 2 (PTHSL2). Identifiers: Orphanet 221150, Orphanet 600663, MedGen C3280479, MONDO:0013690, OMIM 614325.

Allele frequency attached by ClinVar (database versions not stated): 1000 Genomes Project 0.00919; 1000 Genomes Project 30x 0.00921; gnomAD 0.00962 and 0.01048; TOPMed 0.01094.

Submission:

Illumina Laboratory Services, Illumina
Classification: Benign for Pitt-Hopkins-like syndrome 2. Last evaluated: 2018-01-13. Review status: criteria provided, single submitter. Criteria: ICSL Variant Classification Criteria 13 December 2019. Collection method: clinical testing. Allele origin: germline.
Comment: This variant was observed in the ICSL laboratory as part of a predisposition screen in an ostensibly healthy population. It had not been previously curated by ICSL or reported in the Human Gene Mutation Database (HGMD: prior to June 1st, 2018), and was therefore a candidate for classification through an automated scoring system. Utilizing variant allele frequency, disease prevalence and penetrance estimates, and inheritance mode, an automated score was calculated to assess if this variant is too frequent to cause the disease. Based on the score and internal cut-off values, a variant classified as benign is not then subjected to further curation. The score for this variant resulted in a classification of benign for this disease.